The following is an entry in ClinVar:

ClinVar aggregate classification (germline): Uncertain significance (1 of 4 stars; one submission).

Allele frequency attached by ClinVar (database versions not stated): ExAC 0.00023.
gnomAD v4.1: 49 of 1,539,388 alleles (0.0032%); highest among the groups gnomAD compares: Middle Eastern, 0.05%; no homozygotes.

Submission:

Labcorp Genetics (formerly Invitae), Labcorp
Classification: Uncertain significance. Last evaluated: 2024-10-14. Review status: criteria provided, single submitter. Criteria: Invitae Variant Classification Sherloc (09022015). Collection method: clinical testing. Allele origin: germline.
Comment: This sequence change replaces glycine, which is neutral and non-polar, with arginine, which is basic and polar, at codon 745 of the OTOG protein (p.Gly745Arg). This variant is present in population databases (rs762229143, gnomAD 0.04%). This variant has not been reported in the literature in individuals affected with OTOG-related conditions. An algorithm developed to predict the effect of missense changes on protein structure and function (PolyPhen-2) suggests that this variant is likely to be disruptive. In summary, the available evidence is currently insufficient to determine the role of this variant in disease. Therefore, it has been classified as a Variant of Uncertain Significance.

NM_001292063.2(OTOG):c.2197G>C (p.Gly733Arg)

Gene: OTOG (otogelin; plus strand). Cytogenetic location: 11p15.1.
Variant type: single nucleotide variant.
Coding change: c.2197G>C on transcript NM_001292063.2 (MANE Select); coding-DNA position 2197, G replaced by C.
Protein change: p.Gly733Arg; replaces glycine 733 with arginine.
Molecular consequence: missense variant.
Genome position (GRCh38, 1-based): chr11:17,573,194, G>C. VCF-style: chr11-17573194-G-C. GRCh37 (hg19) VCF-style: chr11-17594741-G-C.
Other names: c.2233G>C, p.Gly745Arg (NM_001277269.2); short protein forms G745R, G733R.
Identifiers: ClinVar variation 2919590 (VCV002919590.3), dbSNP rs762229143, ClinGen allele CA5905589.